The following is an entry in ClinVar:

NM_006231.4(POLE):c.4756G>A (p.Ala1586Thr)

Gene: POLE (DNA polymerase epsilon, catalytic subunit; minus strand). Cytogenetic location: 12q24.33.
Variant type: single nucleotide variant.
Coding change: c.4756G>A on transcript NM_006231.4 (MANE Select); coding-DNA position 4756, G replaced by A.
Protein change: p.Ala1586Thr; replaces alanine 1586 with threonine.
Molecular consequence: missense variant.
Genome position (GRCh38, 1-based): chr12:132,642,702, C>T on the plus strand (G>A on the coding strand, the complement: POLE is on the minus strand). VCF-style: chr12-132642702-C-T. GRCh37 (hg19) VCF-style: chr12-133219288-C-T.
Other names: short protein forms A1586T.
Identifiers: ClinVar variation 405670 (VCV000405670.14), dbSNP rs746266857, ClinGen allele CA6892718.
Genomic context (GRCh38, chr12:132,642,702, plus strand): 5'-ATTCCTCCAAGACAGGAATTTCACTGGCCAGCCTCTTCAGCTCCCAGCTGGACTGAACAG[C>T]GATGAGTGTGGGCCCCCGGCGCTCCTCCTGGGTCAAGGCAAAATGGAAGAAAAGACCTGG-3'
Protein context (NP_006222.2, residues 1576-1596): KEERRGPTLI[Ala1586Thr]VQSSWELKRL

ClinVar aggregate classification (germline): Uncertain significance. Review status: criteria provided, multiple submitters, no conflicts (2 of 4 stars). 4 submissions from 4 submitters: Uncertain significance (4). Last evaluated 2026-02-16.

Conditions:
Hereditary cancer-predisposing syndrome. Also called: Hereditary neoplastic syndrome; Tumor predisposition; Hereditary Cancer Syndrome; Neoplastic Syndromes, Hereditary. Identifiers: Orphanet 140162, MedGen C0027672, MeSH D009386, MONDO:0015356.

Allele frequency attached by ClinVar (database versions not stated): TOPMed below 0.00001; ExAC 0.00001; gnomAD exomes 0.00001 and 0.00002.
gnomAD v4.1: 11 of 1,613,712 alleles (0.00068%); highest among the groups gnomAD compares: Admixed American, 0.01%; no homozygotes.

Submissions (4):

Dasa
Classification: Uncertain significance. Last evaluated: 2026-02-16. Review status: criteria provided, single submitter. Criteria: DASA Assertion Criteria. Collection method: clinical testing. Allele origin: germline.
Comment: NM_006231.4(POLE):c.4756G>A (p.Ala1586Thr) is a missense variant that results in the substitution of alanine with threonine. This variant is rare in population databases. The currently available literature and clinical evidence are not sufficient to establish a definitive association between this variant and the reported condition. Therefore, this variant is classified as a variant of uncertain significance.

Labcorp Genetics (formerly Invitae), Labcorp
Classification: Uncertain significance. Last evaluated: 2025-09-19. Review status: criteria provided, single submitter. Criteria: Invitae Variant Classification Sherloc (09022015). Collection method: clinical testing. Allele origin: germline.
Comment: This sequence change replaces alanine, which is neutral and non-polar, with threonine, which is neutral and polar, at codon 1586 of the POLE protein (p.Ala1586Thr). This variant is present in population databases (rs746266857, gnomAD 0.01%). This variant has not been reported in the literature in individuals affected with POLE-related conditions. ClinVar contains an entry for this variant (Variation ID: 405670). Invitae Evidence Modeling of protein sequence and biophysical properties (such as structural, functional, and spatial information, amino acid conservation, physicochemical variation, residue mobility, and thermodynamic stability) indicates that this missense variant is not expected to disrupt POLE protein function with a negative predictive value of 80%. In summary, the available evidence is currently insufficient to determine the role of this variant in disease. Therefore, it has been classified as a Variant of Uncertain Significance.

Ambry Genetics
Classification: Uncertain significance for Hereditary cancer-predisposing syndrome. Last evaluated: 2024-12-30. Review status: criteria provided, single submitter. Criteria: Ambry Variant Classification Scheme 2023. Collection method: clinical testing. Allele origin: germline.
Comment: The p.A1586T variant (also known as c.4756G>A), located in coding exon 37 of the POLE gene, results from a G to A substitution at nucleotide position 4756. The alanine at codon 1586 is replaced by threonine, an amino acid with similar properties. This amino acid position is highly conserved in available vertebrate species. In addition, the in silico prediction for this alteration is inconclusive. Based on the available evidence, the clinical significance of this variant remains unclear.

GeneDx
Classification: Uncertain significance. Last evaluated: 2020-11-30. Review status: criteria provided, single submitter. Criteria: GeneDx Variant Classification Process June 2021. Collection method: clinical testing. Allele origin: germline. Affected: yes.
Comment: Not observed at a significant frequency in large population cohorts (Lek et al., 2016); In silico analysis supports that this missense variant does not alter protein structure/function; Has not been previously published as pathogenic or benign to our knowledge; This variant is associated with the following publications: (PMID: 28427513)